The following is an entry in ClinVar:

NM_152296.5(ATP1A3):c.1222T>C (p.Trp408Arg)

Gene: ATP1A3 (ATPase Na+/K+ transporting subunit alpha 3; minus strand). Cytogenetic location: 19q13.2.
Variant type: single nucleotide variant.
Coding change: c.1222T>C on transcript NM_152296.5 (MANE Select); coding-DNA position 1222, T replaced by C.
Protein change: p.Trp408Arg; replaces tryptophan 408 with arginine.
Molecular consequence: missense variant.
Genome position (GRCh38, 1-based): chr19:41,981,802, A>G on the plus strand (T>C on the coding strand, the complement: ATP1A3 is on the minus strand). VCF-style: chr19-41981802-A-G. GRCh37 (hg19) VCF-style: chr19-42485954-A-G.
Other names: c.1255T>C, p.Trp419Arg (NM_001256213.2); c.1261T>C, p.Trp421Arg (NM_001256214.2); short protein forms W408R, W421R, W419R.
Identifiers: ClinVar variation 2855221 (VCV002855221.3), dbSNP rs2514065823, ClinGen allele CA406050503.

ClinVar aggregate classification (germline): Uncertain significance (1 of 4 stars; one submission).

Conditions:
Dystonia 12 (DYT12). Also called: DYT-ATP1A3; Rapid-Onset Dystonia-Parkinsonism (RDP). Identifiers: Orphanet 71517, MedGen C1868681, MONDO:0007496, OMIM 128235.

Submission:

Labcorp Genetics (formerly Invitae), Labcorp
Classification: Uncertain significance for Dystonia 12. Last evaluated: 2023-04-22. Review status: criteria provided, single submitter. Criteria: Invitae Variant Classification Sherloc (09022015). Collection method: clinical testing. Allele origin: germline.
Comment: This variant is not present in population databases (gnomAD no frequency). This sequence change replaces tryptophan, which is neutral and slightly polar, with arginine, which is basic and polar, at codon 408 of the ATP1A3 protein (p.Trp408Arg). This variant has not been reported in the literature in individuals affected with ATP1A3-related conditions. In summary, the available evidence is currently insufficient to determine the role of this variant in disease. Therefore, it has been classified as a Variant of Uncertain Significance. Advanced modeling of protein sequence and biophysical properties (such as structural, functional, and spatial information, amino acid conservation, physicochemical variation, residue mobility, and thermodynamic stability) performed at Invitae indicates that this missense variant is expected to disrupt ATP1A3 protein function.